The following is an entry in ClinVar:

ClinVar aggregate classification (germline): Uncertain significance (1 of 4 stars; one submission).

Submission:

GeneDx
Classification: Uncertain significance. Last evaluated: 2026-04-04. Review status: criteria provided, single submitter. Criteria: GeneDx Variant Classification Process June 2021. Collection method: clinical testing. Allele origin: germline.
Comment: In-frame deletion of 1 amino acid in a non-repeat region; Has not been previously published as pathogenic or benign to our knowledge; In silico analysis supports a deleterious effect on protein structure/function; Not observed at significant frequency in large population cohorts (gnomAD)

NM_005458.8(GABBR2):c.1352TCA[1] (p.Ile452del)

Gene: GABBR2 (gamma-aminobutyric acid type B receptor subunit 2; minus strand). Cytogenetic location: 9q22.33.
Variant type: Microsatellite.
Coding change: c.1352TCA[1] on transcript NM_005458.8 (MANE Select); one copy of the 3-base unit TCA starting at c.1352; the reference has two copies in a row; one copy, 3 bases deleted.
Protein change: p.Ile452del; deletes isoleucine 452.
Molecular consequence: inframe deletion.
Genome position (GRCh38, 1-based): chr9:98,394,196-98,394,198, TGA deleted on the plus strand (TCA on the coding strand, the reverse complement: GABBR2 is on the minus strand); deleting any 3 consecutive bases within chr9:98,394,196-98,394,202 gives the same sequence; the position shown is the placement nearest the transcript's 3' end. VCF-style (leftmost placement, unchanged base first): chr9-98394195-TTGA-T. GRCh37 (hg19) VCF-style: chr9-101156477-TTGA-T.
Other names: short protein forms I452del.
Identifiers: ClinVar variation 5018223 (VCV005018223.1).